The following is an entry in ClinVar:

ClinVar aggregate classification (germline): Uncertain significance. Review status: criteria provided, multiple submitters, no conflicts (2 of 4 stars). 2 submissions from 2 submitters: Uncertain significance (2). Last evaluated 2025-03-28.

Conditions:
Inborn genetic diseases. Identifiers: MedGen C0950123, MeSH D030342.
SBDS-related disorder. Also called: SBDS-related condition.

gnomAD v4.1: 3 of 1,614,064 alleles (0.00019%); highest among the groups gnomAD compares: African/African-American, 0.004%; no homozygotes.

Submissions (2):

PreventionGenetics, part of Exact Sciences
Classification: Uncertain significance for SBDS-related condition. Last evaluated: 2025-03-28. Review status: criteria provided, single submitter. Criteria: ACMG Guidelines, 2015. Collection method: clinical testing. Allele origin: germline.
Comment: The SBDS c.218G>A variant is predicted to result in the amino acid substitution p.Ser73Asn. To our knowledge, this variant has not been reported in the literature. This variant is reported in 0.012% of alleles in individuals of African descent in gnomAD. At this time, the clinical significance of this variant is uncertain due to the absence of conclusive functional and genetic evidence.

Ambry Genetics
Classification: Uncertain significance for Inborn genetic diseases. Last evaluated: 2025-02-12. Review status: criteria provided, single submitter. Criteria: Ambry Variant Classification Scheme 2023. Collection method: clinical testing. Allele origin: germline.
Comment: The p.S73N variant (also known as c.218G>A), located in coding exon 2 of the SBDS gene, results from a G to A substitution at nucleotide position 218. The serine at codon 73 is replaced by asparagine, an amino acid with highly similar properties. This amino acid position is conserved. In addition, this alteration is predicted to be tolerated by in silico analysis. Based on the available evidence, the clinical significance of this variant remains unclear.

NM_016038.4(SBDS):c.218G>A (p.Ser73Asn)

Gene: SBDS (SBDS ribosome maturation factor; minus strand). Cytogenetic location: 7q11.21.
Variant type: single nucleotide variant.
Coding change: c.218G>A on transcript NM_016038.4 (MANE Select); coding-DNA position 218, G replaced by A.
Protein change: p.Ser73Asn; replaces serine 73 with asparagine.
Molecular consequence: missense variant.
Genome position (GRCh38, 1-based): chr7:66,994,252, C>T on the plus strand (G>A on the coding strand, the complement: SBDS is on the minus strand). VCF-style: chr7-66994252-C-T. GRCh37 (hg19) VCF-style: chr7-66459239-C-T.
Other names: short protein forms S73N.
Identifiers: ClinVar variation 3792740 (VCV003792740.2).